The following is an entry in ClinVar:

ClinVar aggregate classification (germline): Uncertain significance. Review status: criteria provided, multiple submitters, no conflicts (2 of 4 stars). 2 submissions from 2 submitters: Uncertain significance (2). Last evaluated 2025-03-22.

Conditions:
Inborn genetic diseases. Identifiers: MedGen C0950123, MeSH D030342.
Charcot-Marie-Tooth disease type 2. Also called: Charcot-Marie-Tooth type 2. Identifiers: Orphanet 64746, MedGen C0270914, MONDO:0018993.

Allele frequency attached by ClinVar (database versions not stated): gnomAD exomes 0.00001 and below 0.00001; gnomAD 0.00002; 1000 Genomes Project 30x 0.00016; TOPMed 0.00003; 1000 Genomes Project 0.00020.
gnomAD v4.1: 13 of 1,609,874 alleles (0.00081%); highest among the groups gnomAD compares: Admixed American, 0.0017%; no homozygotes.

Submissions (2):

Ambry Genetics
Classification: Uncertain significance for Inborn genetic diseases. Last evaluated: 2025-03-22. Review status: criteria provided, single submitter. Criteria: Ambry Variant Classification Scheme 2023. Collection method: clinical testing. Allele origin: germline.

Labcorp Genetics (formerly Invitae), Labcorp
Classification: Uncertain significance for Charcot-Marie-Tooth disease type 2. Last evaluated: 2022-03-19. Review status: criteria provided, single submitter. Criteria: Invitae Variant Classification Sherloc (09022015). Collection method: clinical testing. Allele origin: germline.
Comment: This sequence change replaces proline, which is neutral and non-polar, with leucine, which is neutral and non-polar, at codon 365 of the MED25 protein (p.Pro365Leu). The frequency data for this variant in the population databases is considered unreliable, as metrics indicate poor data quality at this position in the gnomAD database. This variant has not been reported in the literature in individuals affected with MED25-related conditions. ClinVar contains an entry for this variant (Variation ID: 851850). Algorithms developed to predict the effect of missense changes on protein structure and function are either unavailable or do not agree on the potential impact of this missense change (SIFT: "Deleterious"; PolyPhen-2: "Benign"; Align-GVGD: "Class C0"). In summary, the available evidence is currently insufficient to determine the role of this variant in disease. Therefore, it has been classified as a Variant of Uncertain Significance.

NM_030973.4(MED25):c.1094C>T (p.Pro365Leu)

Gene: MED25 (mediator complex subunit 25; plus strand). Cytogenetic location: 19q13.33.
Variant type: single nucleotide variant.
Coding change: c.1094C>T on transcript NM_030973.4 (MANE Select); coding-DNA position 1094, C replaced by T.
Protein change: p.Pro365Leu; replaces proline 365 with leucine.
Molecular consequence: missense variant.
Genome position (GRCh38, 1-based): chr19:49,830,880, C>T. VCF-style: chr19-49830880-C-T. GRCh37 (hg19) VCF-style: chr19-50334137-C-T.
Other names: c.1094C>T, p.Pro365Leu (NM_001378355.1); short protein forms P365L.
Identifiers: ClinVar variation 851850 (VCV000851850.9), dbSNP rs536678372, ClinGen allele CA309516541.